The following is an entry in ClinVar:

NM_000719.7(CACNA1C):c.4183C>T (p.Arg1395Trp)

Gene: CACNA1C (calcium voltage-gated channel subunit alpha1 C; plus strand). Cytogenetic location: 12p13.33.
Variant type: single nucleotide variant.
Coding change: c.4183C>T on transcript NM_000719.7 (MANE Select); coding-DNA position 4183, C replaced by T.
Protein change: p.Arg1395Trp; replaces arginine 1395 with tryptophan.
Molecular consequence: missense variant.
Genome position (GRCh38, 1-based): chr12:2,655,189, C>T. VCF-style: chr12-2655189-C-T. GRCh37 (hg19) VCF-style: chr12-2764355-C-T.
Other names: c.4327C>T, p.Arg1443Trp (NM_001129827.2, NM_199460.4); c.4249C>T, p.Arg1417Trp (NM_001129829.2); c.4183C>T, p.Arg1395Trp (NM_001129830.3, NM_001129833.2, NM_001129834.2 and 7 more transcripts); c.4267C>T, p.Arg1423Trp (NM_001129831.2); c.4243C>T, p.Arg1415Trp (NM_001129832.2); c.4234C>T, p.Arg1412Trp (NM_001129836.2); c.4150C>T, p.Arg1384Trp (NM_001129837.2, NM_001129838.2, NM_001129846.2 and 1 more transcripts); c.4144C>T, p.Arg1382Trp (NM_001129839.2); and 1 more; short protein forms R1382W, R1384W, R1392W, R1395W, R1412W, R1415W, R1417W, R1423W.
Identifiers: ClinVar variation 3622575 (VCV003622575.2).

ClinVar aggregate classification (germline): Uncertain significance (1 of 4 stars; one submission).

Conditions:
Long QT syndrome (LQTS). Identifiers: MedGen C0023976, MeSH D008133, MONDO:0002442. Disease mechanism: loss of function. Inheritance: Various modes of inheritance.

gnomAD v4.1: 2 of 1,613,790 alleles (0.00012%); highest among the groups gnomAD compares: Non-Finnish European, 0.000085%; no homozygotes.

Submission:

Labcorp Genetics (formerly Invitae), Labcorp
Classification: Uncertain significance for Long QT syndrome. Last evaluated: 2025-12-03. Review status: criteria provided, single submitter. Criteria: Invitae Variant Classification Sherloc (09022015). Collection method: clinical testing. Allele origin: germline.
Comment: This sequence change replaces arginine, which is basic and polar, with tryptophan, which is neutral and slightly polar, at codon 1395 of the CACNA1C protein (p.Arg1395Trp). This variant is not present in population databases (gnomAD no frequency). This variant has not been reported in the literature in individuals affected with CACNA1C-related conditions. ClinVar contains an entry for this variant (Variation ID: 3622575). Invitae Evidence Modeling of protein sequence and biophysical properties (such as structural, functional, and spatial information, amino acid conservation, physicochemical variation, residue mobility, and thermodynamic stability) indicates that this missense variant is expected to disrupt CACNA1C protein function with a positive predictive value of 95%. In summary, the available evidence is currently insufficient to determine the role of this variant in disease. Therefore, it has been classified as a Variant of Uncertain Significance.